The following is an entry in ClinVar:

ClinVar aggregate classification (germline): Pathogenic. Review status: criteria provided, multiple submitters, no conflicts (2 of 4 stars). 2 submissions from 2 submitters: Pathogenic (2). Last evaluated 2024-09-28.

Conditions:
Pitt-Hopkins syndrome (PTHS). Also called: ENCEPHALOPATHY, SEVERE EPILEPTIC, WITH AUTONOMIC DYSFUNCTION; MENTAL RETARDATION, SYNDROMAL, WITH INTERMITTENT HYPERVENTILATION. Identifiers: Orphanet 2896, MedGen C1970431, MONDO:0012589, OMIM 610954.

Submissions (2):

3billion
Classification: Pathogenic for Pitt-Hopkins syndrome. Last evaluated: 2024-09-28. Review status: criteria provided, single submitter. Criteria: ACMG Guidelines, 2015. Collection method: clinical testing. Allele origin: germline. Affected: yes.
Comment: The variant is not observed in the gnomAD v4.1.0 dataset. Predicted Consequence/Location: Frameshift: predicted to result in a loss or disruption of normal protein function through nonsense-mediated decay (NMD) or protein truncation. Multiple pathogenic variants are reported downstream of the variant. The variant has been reported to be associated with TCF4-related disorder (ClinVar ID: VCV000565375 /PMID: 31440721). Therefore, this variant is classified as Pathogenic according to the recommendation of ACMG/AMP guideline.

Labcorp Genetics (formerly Invitae), Labcorp
Classification: Pathogenic for Pitt-Hopkins syndrome. Last evaluated: 2018-03-06. Review status: criteria provided, single submitter. Criteria: Invitae Variant Classification Sherloc (09022015). Collection method: clinical testing. Allele origin: germline.
Comment: This sequence change creates a premature translational stop signal (p.Ile248Serfs*8) in the TCF4 gene. It is expected to result in an absent or disrupted protein product. This variant is not present in population databases (ExAC no frequency). This variant has not been reported in the literature in individuals with TCF4-related disease. Loss-of-function variants in TCF4 are known to be pathogenic (PMID: 18728071, 22045651). For these reasons, this variant has been classified as Pathogenic.

Literature cited by the submitters: PubMed 31440721 (cited by 3billion); PubMed 18728071 (cited by Labcorp Genetics (formerly Invitae), Labcorp); PubMed 22045651 (cited by Labcorp Genetics (formerly Invitae), Labcorp).

NM_001083962.2(TCF4):c.742_743del (p.Ile248fs)

Gene: TCF4 (transcription factor 4; minus strand). Cytogenetic location: 18q21.2.
Variant type: Microsatellite.
Coding change: c.742_743del on transcript NM_001083962.2 (MANE Select); coding-DNA positions 742 to 743, 2 bases deleted (AT; older notation c.742_743delAT).
Protein change: p.Ile248fs; shifts the reading frame from isoleucine 248.
Molecular consequence: frameshift variant.
Genome position (GRCh38, 1-based): chr18:55,275,665-55,275,666, AT deleted on the plus strand (AT on the coding strand, the reverse complement: TCF4 is on the minus strand); deleting any 2 consecutive bases within chr18:55,275,665-55,275,668 gives the same sequence; the c. name uses the placement nearest the transcript's 3' end. VCF-style (leftmost placement, unchanged base first): chr18-55275664-AAT-A. GRCh37 (hg19) VCF-style: chr18-52942895-AAT-A.
Other names: c.616_617del, p.Ile206fs (NM_001243231.2, NM_001348211.2); c.529_530del, p.Ile177fs (NM_001243232.1, NM_001306208.1); c.352_353del, p.Ile118fs (NM_001243233.2, NM_001330605.3, NM_001348212.2 and 1 more transcripts); c.262_263del, p.Ile88fs (NM_001243234.2, NM_001243235.2, NM_001243236.2 and 2 more transcripts); c.670_671del, p.Ile224fs (NM_001306207.1, NM_001348217.1, NM_001348218.2 and 9 more transcripts); c.742_743del, p.Ile248fs (NM_001330604.3, NM_001369567.1, NM_001369568.1 and 4 more transcripts); c.94_95del, p.Ile32fs (NM_001348215.2); c.667_668del, p.Ile223fs (NM_001348220.1, NM_001369576.1, NM_001369578.1 and 3 more transcripts); and 4 more; short protein forms I254fs, I350fs, I88fs, I118fs, I224fs, I248fs, I223fs, I246fs.
Identifiers: ClinVar variation 565375 (VCV000565375.3), dbSNP rs1568620706, ClinGen allele CA891843848.